The following is an entry in ClinVar:

ClinVar aggregate classification (germline): Uncertain significance. Review status: criteria provided, multiple submitters, no conflicts (2 of 4 stars). 2 submissions from 2 submitters: Uncertain significance (2). Last evaluated 2025-11-02.

Conditions:
Hereditary cancer-predisposing syndrome. Also called: Tumor predisposition; Neoplastic Syndromes, Hereditary; Hereditary neoplastic syndrome; Hereditary Cancer Syndrome. Identifiers: Orphanet 140162, MedGen C0027672, MeSH D009386, MONDO:0015356.
Familial cancer of breast. Also called: BREAST CANCER, FAMILIAL; Hereditary breast cancer; hereditary breast carcinoma. Identifiers: Orphanet 227535, MedGen C0346153, MONDO:0016419, OMIM 114480. Disease mechanism: loss of function.

Allele frequency attached by ClinVar (database versions not stated): gnomAD exomes below 0.00001.
gnomAD v4.1: 2 of 1,614,098 alleles (0.00012%); highest among the groups gnomAD compares: Non-Finnish European, 0.00017%; no homozygotes.

Submissions (2):

Ambry Genetics
Classification: Uncertain significance for Hereditary cancer-predisposing syndrome. Last evaluated: 2025-11-02. Review status: criteria provided, single submitter. Criteria: Ambry Variant Classification Scheme 2023. Collection method: clinical testing. Allele origin: germline.
Comment: The p.L481R variant (also known as c.1442T>G), located in coding exon 6 of the BARD1 gene, results from a T to G substitution at nucleotide position 1442. The leucine at codon 481 is replaced by arginine, an amino acid with dissimilar properties. This amino acid position is conserved. In addition, this alteration is predicted to be deleterious by in silico analysis. Based on the available evidence, the clinical significance of this variant remains unclear.

Labcorp Genetics (formerly Invitae), Labcorp
Classification: Uncertain significance for Familial cancer of breast. Last evaluated: 2019-03-18. Review status: criteria provided, single submitter. Criteria: Invitae Variant Classification Sherloc (09022015). Collection method: clinical testing. Allele origin: germline.
Comment: In summary, the available evidence is currently insufficient to determine the role of this variant in disease. Therefore, it has been classified as a Variant of Uncertain Significance. Algorithms developed to predict the effect of missense changes on protein structure and function (SIFT, PolyPhen-2, Align-GVGD) all suggest that this variant is likely to be disruptive, but these predictions have not been confirmed by published functional studies and their clinical significance is uncertain. This variant has not been reported in the literature in individuals with BARD1-related conditions. This variant is not present in population databases (ExAC no frequency). This sequence change replaces leucine with arginine at codon 481 of the BARD1 protein (p.Leu481Arg). The leucine residue is highly conserved and there is a moderate physicochemical difference between leucine and arginine.

NM_000465.4(BARD1):c.1442T>G (p.Leu481Arg)

Gene: BARD1 (BRCA1 associated RING domain 1; minus strand). Cytogenetic location: 2q35.
Variant type: single nucleotide variant.
Coding change: c.1442T>G on transcript NM_000465.4 (MANE Select); coding-DNA position 1442, T replaced by G.
Protein change: p.Leu481Arg; replaces leucine 481 with arginine.
Molecular consequence: missense variant. On other transcripts: non-coding transcript variant (3), intron variant (3).
Genome position (GRCh38, 1-based): chr2:214,767,608, A>C on the plus strand (T>G on the coding strand, the complement: BARD1 is on the minus strand). VCF-style: chr2-214767608-A-C. GRCh37 (hg19) VCF-style: chr2-215632332-A-C.
Other names: c.1442T>G (NM_000465.2); c.1385T>G, p.Leu462Arg (NM_001282543.2); c.159-15053T>G (NM_001282548.2); c.216-15053T>G (NM_001282545.2); c.364+24689T>G (NM_001282549.2); short protein forms L481R, L462R.
Identifiers: ClinVar variation 849019 (VCV000849019.11), dbSNP rs1694274375, ClinGen allele CA350448565.